The following is an entry in ClinVar:

NM_001370595.2(COA8):c.322-8_322-4del

Gene: COA8 (cytochrome c oxidase assembly factor 8; plus strand). Cytogenetic location: 14q32.33.
Variant type: Deletion.
Coding change: c.322-8_322-4del on transcript NM_001370595.2 (MANE Select); 8 bases into the intron before coding-DNA position 322 through 4 bases into the intron before coding-DNA position 322, 5 bases deleted (TTTTT; older notation c.322-8_322-4delTTTTT).
Molecular consequence: intron variant.
Genome position (GRCh38, 1-based): chr14:103,574,099-103,574,103, TTTTT deleted; deleting any 5 consecutive bases within chr14:103,574,079-103,574,103 gives the same sequence; the c. name uses the placement nearest the transcript's 3' end. VCF-style (leftmost placement, unchanged base first): chr14-103574078-CTTTTT-C. GRCh37 (hg19) VCF-style: chr14-104040415-CTTTTT-C.
Other names: c.361-8_361-4del5 (NM_032374.4); c.322-8_322-4del (NM_001302653.2, NM_001302654.2).
Identifiers: ClinVar variation 3037538 (VCV003037538.2), dbSNP rs11337243, ClinGen allele CA966802199.

ClinVar aggregate classification (germline): Likely benign (0 of 4 stars; one submission).

Conditions:
COA8-related disorder. Also called: COA8-related condition.

Submission:

PreventionGenetics, part of Exact Sciences
Classification: Likely benign for COA8-related condition. Last evaluated: 2019-12-11. Review status: no assertion criteria provided. Collection method: clinical testing. Allele origin: germline.
Comment: This variant is classified as likely benign based on ACMG/AMP sequence variant interpretation guidelines (Richards et al. 2015 PMID: 25741868, with internal and published modifications).